The following is an entry in ClinVar:

ClinVar aggregate classification (germline): Pathogenic/Likely pathogenic. Review status: criteria provided, multiple submitters, no conflicts (2 of 4 stars). 6 submissions from 6 submitters: Pathogenic (3); Likely pathogenic (2). 1 of the submissions does not count toward it. Last evaluated 2025-06-10.

Conditions:
Polycystic kidney disease 4 (PKD4). Also called: Autosomal Recessive Polycystic Kidney Disease – PKHD1; POLYCYSTIC KIDNEY AND HEPATIC DISEASE 1; POLYCYSTIC KIDNEY DISEASE, INFANTILE, TYPE I; POLYCYSTIC KIDNEY DISEASE 4 WITH OR WITHOUT POLYCYSTIC LIVER DISEASE; PKD3. Identifiers: MedGen C4540575, MONDO:0033004, OMIM 263200.
Autosomal recessive polycystic kidney disease (ARPKD). Also called: AR polycystic kidney disease. Identifiers: Orphanet 731, Orphanet 8378, MedGen C0085548, MeSH D017044, MONDO:0009889.

Submissions (6):

GeneDx
Classification: Pathogenic. Last evaluated: 2025-06-10. Review status: criteria provided, single submitter. Criteria: GeneDx Variant Classification Process June 2021. Collection method: clinical testing. Allele origin: germline. Affected: yes.
Comment: Reported previously in an unaffected carrier; however, no further information was provided (PMID: 29760218); Frameshift variant predicted to result in protein truncation or nonsense mediated decay in a gene for which loss of function is a known mechanism of disease; Not observed at significant frequency in large population cohorts (gnomAD); This variant is associated with the following publications: (PMID: 19940839, 29760218)

Natera, Inc.
Classification: Likely pathogenic for Autosomal recessive polycystic kidney disease. Last evaluated: 2025-05-08. Review status: criteria provided, single submitter. Criteria: Natera Variant Classification Schema (03/2026). Collection method: clinical testing. Allele origin: germline.
Comment: The c.3694_3725delGTGGGCAATCGGTCCTGTGACATTGTGAACTT variant in PKHD1 is a frameshift variant predicted to shift the reading frame beginning at codon 1232 and leads to a stop codon 8 codons downstream. This variant is expected to result in nonsense mediated decay, truncation, or a dysfunctional protein product. This variant is rare in the general population with a frequency below the threshold expected for the associated phenotype(s). Given the available evidence, this variant is classified as Likely Pathogenic.

Fulgent Genetics
Classification: Likely pathogenic for Polycystic kidney disease 4. Last evaluated: 2024-05-16. Review status: criteria provided, single submitter. Criteria: ACMG Guidelines, 2015. Collection method: clinical testing. Allele origin: germline.

Labcorp Genetics (formerly Invitae), Labcorp
Classification: Pathogenic for Autosomal recessive polycystic kidney disease. Last evaluated: 2024-01-04. Review status: criteria provided, single submitter. Criteria: Invitae Variant Classification Sherloc (09022015). Collection method: clinical testing. Allele origin: germline.
Comment: This sequence change creates a premature translational stop signal (p.Val1232Asnfs*8) in the PKHD1 gene. It is expected to result in an absent or disrupted protein product. Loss-of-function variants in PKHD1 are known to be pathogenic (PMID: 19940839). This variant is not present in population databases (gnomAD no frequency). This variant has not been reported in the literature in individuals affected with PKHD1-related conditions. ClinVar contains an entry for this variant (Variation ID: 370781). For these reasons, this variant has been classified as Pathogenic.

Eurofins Ntd Llc (ga)
Classification: Pathogenic. Last evaluated: 2017-02-27. Review status: criteria provided, single submitter. Criteria: EGL Classification Definitions 2015. Collection method: clinical testing. Allele origin: germline. Observed: 1 variant allele, 1 heterozygote.

Counsyl
Classification: Likely pathogenic for Polycystic kidney disease 4. Last evaluated: 2016-04-12. Review status: no assertion criteria provided. Collection method: clinical testing. Allele origin: unknown. Not counted in ClinVar's aggregate classification.

Literature cited by the submitters: PubMed 19940839 (cited by Labcorp Genetics (formerly Invitae), Labcorp).

NM_138694.4(PKHD1):c.3694_3725del (p.Val1232fs)

Gene: PKHD1 (PKHD1 ciliary IPT domain containing fibrocystin/polyductin; minus strand). Cytogenetic location: 6p12.2.
Variant type: Deletion.
Coding change: c.3694_3725del on transcript NM_138694.4 (MANE Select); coding-DNA positions 3694 to 3725, 32 bases deleted.
Protein change: p.Val1232fs; shifts the reading frame from valine 1232.
Molecular consequence: frameshift variant.
Genome position (GRCh38, 1-based): chr6:52,026,085-52,026,116, 32 bases deleted; deleting any 32 consecutive bases within chr6:52,026,085-52,026,120 gives the same sequence; the c. name uses the placement nearest the transcript's 3' end. GRCh37 (hg19): chr6:51,890,887-51,890,918.
Other names: c.3694_3725del, p.Val1232fs (NM_170724.3); c.3694_3725del (NM_138694.3); c.3694_3725delGTGGGCAATCGGTCCTGTGACATTGTGAACTT (NM_138694.3); short protein forms V1232fs.
Identifiers: ClinVar variation 370781 (VCV000370781.18), dbSNP rs1057516762, ClinGen allele CA16041058.